The following is an entry in ClinVar:

ClinVar aggregate classification (germline): Uncertain significance (1 of 4 stars; one submission).

Submission:

GeneDx
Classification: Uncertain significance. Last evaluated: 2020-11-25. Review status: criteria provided, single submitter. Criteria: GeneDx Variant Classification Process June 2021. Collection method: clinical testing. Allele origin: germline. Affected: yes.
Comment: Not observed in large population cohorts (Lek et al., 2016); In silico analysis supports that this missense variant has a deleterious effect on protein structure/function; Has not been previously published as pathogenic or benign to our knowledge

NM_002480.3(PPP1R12A):c.2783A>T (p.Asp928Val)

Gene: PPP1R12A (protein phosphatase 1 regulatory subunit 12A; minus strand). Cytogenetic location: 12q21.2.
Variant type: single nucleotide variant.
Coding change: c.2783A>T on transcript NM_002480.3 (MANE Select); coding-DNA position 2783, A replaced by T.
Protein change: p.Asp928Val; replaces aspartic acid 928 with valine.
Molecular consequence: missense variant.
Genome position (GRCh38, 1-based): chr12:79,788,667, T>A on the plus strand (A>T on the coding strand, the complement: PPP1R12A is on the minus strand). VCF-style: chr12-79788667-T-A. GRCh37 (hg19) VCF-style: chr12-80182447-T-A.
Other names: c.2783A>T, p.Asp928Val (NM_001143885.2, NM_001244990.2); c.2522A>T, p.Asp841Val (NM_001143886.2); c.2615A>T, p.Asp872Val (NM_001244992.1); short protein forms D841V, D872V, D928V.
Identifiers: ClinVar variation 1313658 (VCV001313658.2), dbSNP rs2136997873, ClinGen allele CA385839245.
Genomic context (GRCh38, chr12:79,788,667, plus strand): 5'-AAGATAACTTTTTATTAAATATAACTAAATAACCCAAGTACCTTTTTAAAGTCAGTTGAG[T>A]CATCCTTTTCTAGCCTGCTGCTGTAAGGTTTTCTTTCTTCTAAGTAACTGTATGATCCAG-3'
Protein context (NP_002471.1, residues 918-938): KPYSSRLEKD[Asp928Val]STDFKKLYEQ